The following is an entry in ClinVar:

NM_004991.4(MECOM):c.1555G>C (p.Glu519Gln)

Gene: MECOM (MDS1 and EVI1 complex locus; minus strand). Cytogenetic location: 3q26.2.
Variant type: single nucleotide variant.
Coding change: c.1555G>C on transcript NM_004991.4 (MANE Select); coding-DNA position 1555, G replaced by C.
Protein change: p.Glu519Gln; replaces glutamic acid 519 with glutamine.
Molecular consequence: missense variant. On other transcripts: intron variant (2).
Genome position (GRCh38, 1-based): chr3:169,116,317, C>G on the plus strand (G>C on the coding strand, the complement: MECOM is on the minus strand). VCF-style: chr3-169116317-C-G. GRCh37 (hg19) VCF-style: chr3-168834105-C-G.
Other names: c.1186G>C, p.Glu396Gln (NM_001105077.4); c.991G>C, p.Glu331Gln (NM_001105078.4, NM_001164000.2, NM_001205194.2 and 4 more transcripts); c.994G>C, p.Glu332Gln (NM_001163999.2, NM_001366467.2, NM_001366468.2 and 1 more transcripts); c.1555G>C, p.Glu519Gln (NM_001366466.2); c.1133-550G>C (NM_001366473.2); c.569-550G>C (NM_001366474.2); short protein forms E332Q, E519Q, E331Q, E396Q.
Identifiers: ClinVar variation 3871647 (VCV003871647.1).

ClinVar aggregate classification (germline): Uncertain significance (1 of 4 stars; one submission).

Conditions:
Inborn genetic diseases. Identifiers: MedGen C0950123, MeSH D030342.

gnomAD v4.1: 1 of 1,614,128 alleles (0.000062%); highest among the groups gnomAD compares: Non-Finnish European, 0.000085%; no homozygotes.

Submission:

Ambry Genetics
Classification: Uncertain significance for Inborn genetic diseases. Last evaluated: 2024-12-29. Review status: criteria provided, single submitter. Criteria: Ambry Variant Classification Scheme 2023. Collection method: clinical testing. Allele origin: germline.
Comment: The p.E519Q variant (also known as c.1555G>C), located in coding exon 8 of the MECOM gene, results from a G to C substitution at nucleotide position 1555. The glutamic acid at codon 519 is replaced by glutamine, an amino acid with highly similar properties. This amino acid position is conserved. In addition, this alteration is predicted to be tolerated by in silico analysis. Based on the available evidence, the clinical significance of this variant remains unclear.